The following is an entry in ClinVar:

NM_004370.6(COL12A1):c.8051G>A (p.Gly2684Asp)

Gene: COL12A1 (collagen type XII alpha 1 chain; minus strand). Cytogenetic location: 6q13.
Variant type: single nucleotide variant.
Coding change: c.8051G>A on transcript NM_004370.6 (MANE Select); coding-DNA position 8051, G replaced by A.
Protein change: p.Gly2684Asp; replaces glycine 2684 with aspartic acid.
Molecular consequence: missense variant.
Genome position (GRCh38, 1-based): chr6:75,109,067, C>T on the plus strand (G>A on the coding strand, the complement: COL12A1 is on the minus strand). VCF-style: chr6-75109067-C-T. GRCh37 (hg19) VCF-style: chr6-75818783-C-T.
Other names: c.8030G>A, p.Gly2677Asp (NM_001424114.1); c.7778G>A, p.Gly2593Asp (NM_001424115.1); c.4559G>A, p.Gly1520Asp (NM_001424116.1, NM_080645.3); c.8051G>A, p.Gly2684Asp (NM_001424113.1); short protein forms G2593D, G2677D, G1520D, G2684D.
Identifiers: ClinVar variation 2952580 (VCV002952580.3), dbSNP rs2533143998, ClinGen allele CA364741560.
Genomic context (GRCh38, chr6:75,109,067, plus strand): 5'-GTGTTACTCACTGCGGCTGATTTCCTTTCCCCTTTAAGGAGTTTTCCAAGAATTTCATAA[C>T]CATCAGTTGTTATATTTCCAGCTTCCTTGATGTCTTTTTCTATAATTTCATAGCAGTCAA-3'
Protein context (NP_004361.3, residues 2674-2694): IKEAGNITTD[Gly2684Asp]YEILGKLLKG

ClinVar aggregate classification (germline): Uncertain significance (1 of 4 stars; one submission).

Conditions:
Ullrich congenital muscular dystrophy 2 (UCMD2). Identifiers: Orphanet 75840, MedGen C4225314, MONDO:0014654, OMIM 616470.
Bethlem myopathy 2 (BTHLM2). Identifiers: Orphanet 536516, Orphanet 610, MedGen C4225313, MONDO:0034022, OMIM 616471.

Submission:

Labcorp Genetics (formerly Invitae), Labcorp
Classification: Uncertain significance for Bethlem myopathy 2; Ullrich congenital muscular dystrophy 2. Last evaluated: 2025-08-24. Review status: criteria provided, single submitter. Criteria: Invitae Variant Classification Sherloc (09022015). Collection method: clinical testing. Allele origin: germline.
Comment: This sequence change replaces glycine, which is neutral and non-polar, with aspartic acid, which is acidic and polar, at codon 2684 of the COL12A1 protein (p.Gly2684Asp). This variant is not present in population databases (gnomAD no frequency). This variant has not been reported in the literature in individuals affected with COL12A1-related conditions. ClinVar contains an entry for this variant (Variation ID: 2952580). Invitae Evidence Modeling of protein sequence and biophysical properties (such as structural, functional, and spatial information, amino acid conservation, physicochemical variation, residue mobility, and thermodynamic stability) indicates that this missense variant is not expected to disrupt COL12A1 protein function with a negative predictive value of 80%. In summary, the available evidence is currently insufficient to determine the role of this variant in disease. Therefore, it has been classified as a Variant of Uncertain Significance.